The following is an entry in ClinVar:

ClinVar aggregate classification (germline): Uncertain significance (1 of 4 stars; one submission).

Conditions:
Hereditary cancer-predisposing syndrome. Also called: Hereditary Cancer Syndrome; Neoplastic Syndromes, Hereditary; Tumor predisposition; Hereditary neoplastic syndrome. Identifiers: Orphanet 140162, MedGen C0027672, MeSH D009386, MONDO:0015356.

gnomAD v4.1: 2 of 1,610,016 alleles (0.00012%); highest among the groups gnomAD compares: South Asian, 0.0022%; no homozygotes.

Submission:

Ambry Genetics
Classification: Uncertain significance for Hereditary cancer-predisposing syndrome. Last evaluated: 2017-09-07. Review status: criteria provided, single submitter. Criteria: Ambry Variant Classification Scheme 2023. Collection method: clinical testing. Allele origin: germline.
Comment: The p.R188S variant (also known as c.564G>T), located in coding exon 6 of the MRE11A gene, results from a G to T substitution at nucleotide position 564. The arginine at codon 188 is replaced by serine, an amino acid with dissimilar properties. This amino acid position is highly conserved in available vertebrate species. In addition, this alteration is predicted to be deleterious by in silico analysis. Since supporting evidence is limited at this time, the clinical significance of this alteration remains unclear.

NM_005591.4(MRE11):c.564G>T (p.Arg188Ser)

Gene: MRE11 (MRE11 double strand break repair nuclease; minus strand). Cytogenetic location: 11q21.
Variant type: single nucleotide variant.
Coding change: c.564G>T on transcript NM_005591.4 (MANE Select); coding-DNA position 564, G replaced by T.
Protein change: p.Arg188Ser; replaces arginine 188 with serine.
Molecular consequence: missense variant.
Genome position (GRCh38, 1-based): chr11:94,476,384, C>A on the plus strand (G>T on the coding strand, the complement: MRE11 is on the minus strand). VCF-style: chr11-94476384-C-A. GRCh37 (hg19) VCF-style: chr11-94209550-C-A.
Other names: c.564G>T, p.Arg188Ser (NM_001330347.2, NM_005590.4); short protein forms R188S.
Identifiers: ClinVar variation 479784 (VCV000479784.5), dbSNP rs200213865, ClinGen allele CA6235357.